The following is an entry in ClinVar:

NM_005428.4(VAV1):c.2217+6G>C

Gene: VAV1 (vav guanine nucleotide exchange factor 1; plus strand). Cytogenetic location: 19p13.3.
Variant type: single nucleotide variant.
Coding change: c.2217+6G>C on transcript NM_005428.4 (MANE Select); 6 bases into the intron after coding-DNA position 2217, G replaced by C.
Molecular consequence: intron variant.
Genome position (GRCh38, 1-based): chr19:6,850,763, G>C. VCF-style: chr19-6850763-G-C. GRCh37 (hg19) VCF-style: chr19-6850774-G-C.
Other names: c.2151+6G>C (NM_001258206.2); c.2121+6G>C (NM_001258207.2).
Identifiers: ClinVar variation 2765681 (VCV002765681.3), dbSNP rs749366175, ClinGen allele CA9132893.
Genomic context (GRCh38, chr19:6,850,763, plus strand): 5'-GACAGCAGAAGGACTGTACCGGATCACAGAGAAAAAGGCTTTCCGGGGGCTTACGGTAAG[G>C]GTCAATGTCCGCTCAATCCCAGCTTTCCAGAACCTAGGAGGACCCTCCCTGCACCTCCGC-3'

ClinVar aggregate classification (germline): Uncertain significance (1 of 4 stars; one submission).

Allele frequency attached by ClinVar (database versions not stated): ExAC 0.00001.
gnomAD v4.1: 1 of 1,613,740 alleles (0.000062%); highest among the groups gnomAD compares: Non-Finnish European, 0.000085%; no homozygotes.

Submission:

Labcorp Genetics (formerly Invitae), Labcorp
Classification: Uncertain significance. Last evaluated: 2023-10-05. Review status: criteria provided, single submitter. Criteria: Invitae Variant Classification Sherloc (09022015). Collection method: clinical testing. Allele origin: germline.
Comment: This sequence change falls in intron 24 of the VAV1 gene. It does not directly change the encoded amino acid sequence of the VAV1 protein. It affects a nucleotide within the consensus splice site. This variant is present in population databases (rs749366175, gnomAD 0.0009%). This variant has not been reported in the literature in individuals affected with VAV1-related conditions. Variants that disrupt the consensus splice site are a relatively common cause of aberrant splicing (PMID: 17576681, 9536098). Algorithms developed to predict the effect of sequence changes on RNA splicing suggest that this variant is not likely to affect RNA splicing. In summary, the available evidence is currently insufficient to determine the role of this variant in disease. Therefore, it has been classified as a Variant of Uncertain Significance.

Literature cited by the submitters: PubMed 17576681; PubMed 9536098.